The following is an entry in ClinVar:

ClinVar aggregate classification (germline): Uncertain significance (1 of 4 stars; one submission).

Conditions:
Leber congenital amaurosis 3 (LCA3). Also called: SPATA7-Related Retinitis Pigmentosa. Identifiers: MedGen C1858677, MONDO:0011415, OMIM 604232.

Allele frequency attached by ClinVar (database versions not stated): gnomAD exomes below 0.00001; TOPMed below 0.00001.
gnomAD v4.1: 4 of 1,613,334 alleles (0.00025%); highest among the groups gnomAD compares: South Asian, 0.0044%; no homozygotes.

Submission:

Labcorp Genetics (formerly Invitae), Labcorp
Classification: Uncertain significance for Leber congenital amaurosis 3. Last evaluated: 2022-07-25. Review status: criteria provided, single submitter. Criteria: Invitae Variant Classification Sherloc (09022015). Collection method: clinical testing. Allele origin: germline.
Comment: In summary, the available evidence is currently insufficient to determine the role of this variant in disease. Therefore, it has been classified as a Variant of Uncertain Significance. This sequence change replaces serine, which is neutral and polar, with asparagine, which is neutral and polar, at codon 30 of the SPATA7 protein (p.Ser30Asn). This variant is present in population databases (no rsID available, gnomAD 0.003%). This variant has not been reported in the literature in individuals affected with SPATA7-related conditions. Algorithms developed to predict the effect of missense changes on protein structure and function are either unavailable or do not agree on the potential impact of this missense change (SIFT: "Deleterious"; PolyPhen-2: "Probably Damaging"; Align-GVGD: "Class C0").

NM_018418.5(SPATA7):c.89G>A (p.Ser30Asn)

Gene: SPATA7 (spermatogenesis associated 7; plus strand). Cytogenetic location: 14q31.3.
Variant type: single nucleotide variant.
Coding change: c.89G>A on transcript NM_018418.5 (MANE Select); coding-DNA position 89, G replaced by A.
Protein change: p.Ser30Asn; replaces serine 30 with asparagine.
Molecular consequence: missense variant.
Genome position (GRCh38, 1-based): chr14:88,391,450, G>A. VCF-style: chr14-88391450-G-A. GRCh37 (hg19) VCF-style: chr14-88857794-G-A.
Other names: c.89G>A, p.Ser30Asn (NM_001040428.4); short protein forms S30N.
Identifiers: ClinVar variation 2088868 (VCV002088868.4), dbSNP rs1293890027, ClinGen allele CA390545422.